The following is an entry in ClinVar:

NM_181078.3(IL21R):c.980A>C (p.Lys327Thr)

Genes: IL21R-AS1 (IL21R antisense RNA 1; minus strand), IL21R (interleukin 21 receptor; plus strand), LOC130058712 (ATAC-STARR-seq lymphoblastoid active region 10626; plus strand). Cytogenetic location: 16p12.1.
Variant type: single nucleotide variant.
Coding change: c.980A>C on transcript NM_181078.3 (MANE Select); coding-DNA position 980, A replaced by C.
Protein change: p.Lys327Thr; replaces lysine 327 with threonine.
Molecular consequence: missense variant. On other transcripts: non-coding transcript variant (1).
Genome position (GRCh38, 1-based): chr16:27,448,646, A>C. VCF-style: chr16-27448646-A-C. GRCh37 (hg19) VCF-style: chr16-27459967-A-C.
Other names: c.1046A>C (NM_181079.4); c.980A>C, p.Lys327Thr (NM_021798.4); c.1046A>C, p.Lys349Thr (NM_181079.5); short protein forms K349T, K327T.
Identifiers: ClinVar variation 1357191 (VCV001357191.7), dbSNP rs747283184, ClinGen allele CA7975127.

ClinVar aggregate classification (germline): Uncertain significance. Review status: criteria provided, multiple submitters, no conflicts (2 of 4 stars). 2 submissions from 2 submitters: Uncertain significance (2). Last evaluated 2025-10-22.

Conditions:
Inborn genetic diseases. Identifiers: MedGen C0950123, MeSH D030342.
Cryptosporidiosis-chronic cholangitis-liver disease syndrome. Also called: Immunodeficiency type 56; IL21R immunodeficiency. Identifiers: Orphanet 357329, MedGen C3554687, MONDO:0014082, OMIM 615207.

Allele frequency attached by ClinVar (database versions not stated): gnomAD 0.00001; gnomAD exomes below 0.00001; TOPMed below 0.00001; ExAC 0.00001.
gnomAD v4.1: 2 of 1,613,008 alleles (0.00012%); highest among the groups gnomAD compares: Non-Finnish European, 0.00017%; no homozygotes.

Submissions (2):

Ambry Genetics
Classification: Uncertain significance for Inborn genetic diseases. Last evaluated: 2025-10-22. Review status: criteria provided, single submitter. Criteria: Ambry Variant Classification Scheme 2023. Collection method: clinical testing. Allele origin: germline.

Labcorp Genetics (formerly Invitae), Labcorp
Classification: Uncertain significance for Cryptosporidiosis-chronic cholangitis-liver disease syndrome. Last evaluated: 2021-10-08. Review status: criteria provided, single submitter. Criteria: Invitae Variant Classification Sherloc (09022015). Collection method: clinical testing. Allele origin: germline.
Comment: This sequence change replaces lysine with threonine at codon 327 of the IL21R protein (p.Lys327Thr). The lysine residue is highly conserved and there is a moderate physicochemical difference between lysine and threonine. In summary, the available evidence is currently insufficient to determine the role of this variant in disease. Therefore, it has been classified as a Variant of Uncertain Significance. Algorithms developed to predict the effect of missense changes on protein structure and function are either unavailable or do not agree on the potential impact of this missense change (SIFT: "Deleterious"; PolyPhen-2: "Possibly Damaging"; Align-GVGD: "Class C0"). This variant has not been reported in the literature in individuals affected with IL21R-related conditions. This variant is present in population databases (rs747283184, ExAC 0.002%).